The following is an entry in ClinVar:

ClinVar aggregate classification (germline): Uncertain significance (1 of 4 stars; one submission).

Conditions:
Inflammatory bowel disease 28. Also called: Inflammatory bowel disease 28, early onset, autosomal recessive. Identifiers: Orphanet 238569, MedGen C2751053, MONDO:0013153, OMIM 613148.

Submission:

Labcorp Genetics (formerly Invitae), Labcorp
Classification: Uncertain significance for Inflammatory bowel disease 28. Last evaluated: 2026-02-04. Review status: criteria provided, single submitter. Criteria: Invitae Variant Classification Sherloc (09022015). Collection method: clinical testing. Allele origin: germline.
Comment: This sequence change replaces aspartic acid, which is acidic and polar, with glycine, which is neutral and non-polar, at codon 121 of the IL10RA protein (p.Asp121Gly). This variant is not present in population databases (gnomAD no frequency). This variant has not been reported in the literature in individuals affected with IL10RA-related conditions. Invitae Evidence Modeling of protein sequence and biophysical properties (such as structural, functional, and spatial information, amino acid conservation, physicochemical variation, residue mobility, and thermodynamic stability) indicates that this missense variant is expected to disrupt IL10RA protein function with a positive predictive value of 80%. Algorithms developed to predict the effect of sequence changes on RNA splicing suggest that this variant may disrupt the consensus splice site. In summary, the available evidence is currently insufficient to determine the role of this variant in disease. Therefore, it has been classified as a Variant of Uncertain Significance.

NM_001558.4(IL10RA):c.362A>G (p.Asp121Gly)

Gene: IL10RA (interleukin 10 receptor subunit alpha; plus strand). Cytogenetic location: 11q23.3.
Variant type: single nucleotide variant.
Coding change: c.362A>G on transcript NM_001558.4 (MANE Select); coding-DNA position 362, A replaced by G.
Protein change: p.Asp121Gly; replaces aspartic acid 121 with glycine.
Molecular consequence: missense variant. On other transcripts: non-coding transcript variant (1).
Genome position (GRCh38, 1-based): chr11:117,989,615, A>G. VCF-style: chr11-117989615-A-G. GRCh37 (hg19) VCF-style: chr11-117860330-A-G.
Other names: short protein forms D121G.
Identifiers: ClinVar variation 4777490 (VCV004777490.1).
Genomic context (GRCh38, chr11:117,989,615, plus strand): 5'-GGGCTGTGGACGGCAGCCGGCACTCCAACTGGACCGTCACCAACACCCGCTTCTCTGTGG[A>G]TGAAGGTGCTTTTCCTCCCTTGACTTAGAACATGGCTCTGAAGTCCCTTCCAGCCAGGAA-3'
Protein context (NP_001549.2, residues 111-131): WTVTNTRFSV[Asp121Gly]EVTLTVGSVN